The following is an entry in ClinVar:

ClinVar aggregate classification (germline): Uncertain significance (1 of 4 stars; one submission).

Conditions:
Hereditary pancreatitis (PCTT). Also called: Hereditary chronic pancreatitis; PRSS1-Related Hereditary Pancreatitis. Identifiers: Orphanet 676, MedGen C0238339, MONDO:0008185, OMIM 167800.

Submission:

Labcorp Genetics (formerly Invitae), Labcorp
Classification: Uncertain significance for Hereditary pancreatitis. Last evaluated: 2021-07-26. Review status: criteria provided, single submitter. Criteria: Invitae Variant Classification Sherloc (09022015). Collection method: clinical testing. Allele origin: germline.
Comment: In summary, the available evidence is currently insufficient to determine the role of this variant in disease. Therefore, it has been classified as a Variant of Uncertain Significance. Algorithms developed to predict the effect of missense changes on protein structure and function (SIFT, PolyPhen-2, Align-GVGD) all suggest that this variant is likely to be disruptive, but these predictions have not been confirmed by published functional studies and their clinical significance is uncertain. This variant has not been reported in the literature in individuals with PRSS1-related conditions. This variant is not present in population databases (ExAC no frequency). This sequence change replaces tyrosine with histidine at codon 99 of the PRSS1 protein (p.Tyr99His). The tyrosine residue is moderately conserved and there is a moderate physicochemical difference between tyrosine and histidine.

NM_002769.5(PRSS1):c.295T>C (p.Tyr99His)

Genes: PRSS1 (serine protease 1; plus strand), TRB (T cell receptor beta locus; plus strand). Cytogenetic location: 7q34.
Variant type: single nucleotide variant.
Coding change: c.295T>C on transcript NM_002769.5 (MANE Select); coding-DNA position 295, T replaced by C.
Protein change: p.Tyr99His; replaces tyrosine 99 with histidine.
Molecular consequence: missense variant.
Genome position (GRCh38, 1-based): chr7:142,751,868, T>C. VCF-style: chr7-142751868-T-C. GRCh37 (hg19) VCF-style: chr7-142459719-T-C.
Other names: short protein forms Y99H.
Identifiers: ClinVar variation 946472 (VCV000946472.9), dbSNP rs1798766944, ClinGen allele CA369608697.